The following is an entry in ClinVar:

ClinVar aggregate classification (germline): Uncertain significance. Review status: criteria provided, multiple submitters, no conflicts (2 of 4 stars). 2 submissions from 2 submitters: Uncertain significance (2). Last evaluated 2022-07-30.

Conditions:
Inborn genetic diseases. Identifiers: MedGen C0950123, MeSH D030342.
Charcot-Marie-Tooth disease recessive intermediate C. Also called: CHARCOT-MARIE-TOOTH NEUROPATHY, RECESSIVE INTERMEDIATE C. Identifiers: Orphanet 369867, MedGen C3809309, MONDO:0014154, OMIM 615376.
Neuronopathy, distal hereditary motor, autosomal recessive 4. Also called: Autosomal recessive lower motor neuron disease with childhood onset; NEUROPATHY, DISTAL HEREDITARY MOTOR, AUTOSOMAL RECESSIVE 4. Identifiers: Orphanet 206580, MedGen C1970211, MONDO:0012608, OMIM 611067.

Allele frequency attached by ClinVar (database versions not stated): TOPMed below 0.00001; ExAC 0.00002; gnomAD exomes 0.00002 and 0.00004; gnomAD 0.00003; ESP Exome Variant Server 0.00008.

Submissions (2):

Labcorp Genetics (formerly Invitae), Labcorp
Classification: Uncertain significance for Neuronopathy, distal hereditary motor, autosomal recessive 4; Charcot-Marie-Tooth disease recessive intermediate C. Last evaluated: 2022-07-30. Review status: criteria provided, single submitter. Criteria: Invitae Variant Classification Sherloc (09022015). Collection method: clinical testing. Allele origin: germline.
Comment: This sequence change replaces serine, which is neutral and polar, with asparagine, which is neutral and polar, at codon 54 of the PLEKHG5 protein (p.Ser54Asn). This variant is present in population databases (rs376703933, gnomAD 0.005%). This variant has not been reported in the literature in individuals affected with PLEKHG5-related conditions. ClinVar contains an entry for this variant (Variation ID: 536783). Algorithms developed to predict the effect of missense changes on protein structure and function output the following: SIFT: "Tolerated"; PolyPhen-2: "Benign"; Align-GVGD: "Class C0". The asparagine amino acid residue is found in multiple mammalian species, which suggests that this missense change does not adversely affect protein function. In summary, the available evidence is currently insufficient to determine the role of this variant in disease. Therefore, it has been classified as a Variant of Uncertain Significance.

Ambry Genetics
Classification: Uncertain significance for Inborn genetic diseases. Last evaluated: 2021-12-22. Review status: criteria provided, single submitter. Criteria: Ambry Variant Classification Scheme 2023. Collection method: clinical testing. Allele origin: germline.
Comment: The p.S54N variant (also known as c.161G>A), located in coding exon 3 of the PLEKHG5 gene, results from a G to A substitution at nucleotide position 161. The serine at codon 54 is replaced by asparagine, an amino acid with highly similar properties. This amino acid position is not well conserved in available vertebrate species, and asparagine is the reference amino acid in other vertebrate species. In addition, this alteration is predicted to be tolerated by in silico analysis. Since supporting evidence is limited at this time, the clinical significance of this alteration remains unclear.

NM_020631.6(PLEKHG5):c.161G>A (p.Ser54Asn)

Gene: PLEKHG5 (pleckstrin homology and RhoGEF domain containing G5; minus strand). Cytogenetic location: 1p36.31.
Variant type: single nucleotide variant.
Coding change: c.161G>A on transcript NM_020631.6 (MANE Select); coding-DNA position 161, G replaced by A.
Protein change: p.Ser54Asn; replaces serine 54 with asparagine.
Molecular consequence: missense variant.
Genome position (GRCh38, 1-based): chr1:6,475,511, C>T on the plus strand (G>A on the coding strand, the complement: PLEKHG5 is on the minus strand). VCF-style: chr1-6475511-C-T. GRCh37 (hg19) VCF-style: chr1-6535571-C-T.
Other names: c.272G>A, p.Ser91Asn (NM_001042663.3, NM_001265592.2); c.161G>A, p.Ser54Asn (NM_001042664.2, NM_001042665.2, NM_001265594.3 and 1 more transcripts); c.368G>A, p.Ser123Asn (NM_001265593.2); short protein forms S54N, S123N, S91N.
Identifiers: ClinVar variation 536783 (VCV000536783.11), dbSNP rs376703933, ClinGen allele CA561963.